The following is an entry in ClinVar:

NM_001318777.2(TIRAP):c.646+174C>T

Gene: TIRAP (TIR domain containing adaptor protein; plus strand). Cytogenetic location: 11q24.2.
Variant type: single nucleotide variant.
Coding change: c.646+174C>T on transcript NM_001318777.2 (MANE Select); 174 bases into the intron after coding-DNA position 646, C replaced by T.
Molecular consequence: intron variant.
Genome position (GRCh38, 1-based): chr11:126,293,229, C>T. VCF-style: chr11-126293229-C-T. GRCh37 (hg19) VCF-style: chr11-126163124-C-T.
Other names: c.646+174C>T (NM_001039661.2).
Identifiers: ClinVar variation 2688397 (VCV002688397.2), dbSNP rs609634, ClinGen allele CA13401674.
Genomic context (GRCh38, chr11:126,293,229, plus strand): 5'-AAGGCTGTCGGGGTTTGTATCCTGGCTCCTGCACTTATTAACCCATAAAAAGTAACTTGG[C>T]CAAGTTACTCACCCGCTCTGTGCCTTGGTTTCCTCACTGACCAACAGGTTTCCATTGCTA-3'

ClinVar aggregate classification (germline): Benign (1 of 4 stars; one submission).

Allele frequency attached by ClinVar (database versions not stated): TOPMed 0.72268; gnomAD 0.73296; 1000 Genomes Project 30x 0.78014; gnomAD exomes 0.78650; 1000 Genomes Project 0.79014.

Submission:

Unidad de Genómica Garrahan, Hospital de Pediatría Garrahan
Classification: Benign. Last evaluated: 2024-01-24. Review status: criteria provided, single submitter. Criteria: ACMG Guidelines, 2015. Collection method: clinical testing. Allele origin: germline. Affected: no. Observed: 51 variant alleles.
Comment: This variant is classified as Benign based on local population frequency. This variant was detected in 58% of patients studied by a panel of primary immunodeficiencies. Number of patients: 51. Only high quality variants are reported.